The following is an entry in ClinVar:

NM_002382.5(MAX):c.170A>T (p.Lys57Met)

Genes: MAX (MYC associated transcriptional regulator X; minus strand), MAX-AS1 (MAX antisense RNA 1; plus strand). Cytogenetic location: 14q23.3.
Variant type: single nucleotide variant.
Coding change: c.170A>T on transcript NM_002382.5 (MANE Select); coding-DNA position 170, A replaced by T.
Protein change: p.Lys57Met; replaces lysine 57 with methionine.
Molecular consequence: missense variant. On other transcripts: non-coding transcript variant (12), 5 prime UTR variant (6), intron variant (1).
Genome position (GRCh38, 1-based): chr14:65,093,709, T>A on the plus strand (A>T on the coding strand, the complement: MAX is on the minus strand). VCF-style: chr14-65093709-T-A. GRCh37 (hg19) VCF-style: chr14-65560427-T-A.
Other names: c.143A>T, p.Lys48Met (NM_001271068.2, NM_001271069.2, NM_001407095.1 and 9 more transcripts); c.-105A>T (NM_001320415.2, NM_001407105.1, NM_001407106.1 and 1 more transcripts); c.170A>T, p.Lys57Met (NM_001407094.1, NM_001407096.1, NM_001407097.1 and 5 more transcripts); c.-198A>T (NM_001407111.1, NM_001407112.1); c.193A>T, p.Ser65Cys (NM_001407114.1); c.63+7837A>T (NM_001407098.1); short protein forms K57M, S65C, K48M.
Identifiers: ClinVar variation 4052117 (VCV004052117.1).

ClinVar aggregate classification (germline): Uncertain significance (1 of 4 stars; one submission).

Conditions:
Hereditary cancer-predisposing syndrome. Also called: Neoplastic Syndromes, Hereditary; Tumor predisposition; Hereditary neoplastic syndrome; Hereditary Cancer Syndrome. Identifiers: Orphanet 140162, MedGen C0027672, MeSH D009386, MONDO:0015356.

Submission:

Ambry Genetics
Classification: Uncertain significance for Hereditary cancer-predisposing syndrome. Last evaluated: 2025-04-16. Review status: criteria provided, single submitter. Criteria: Ambry Variant Classification Scheme 2023. Collection method: clinical testing. Allele origin: germline.
Comment: The p.K57M variant (also known as c.170A>T), located in coding exon 3 of the MAX gene, results from an A to T substitution at nucleotide position 170. The lysine at codon 57 is replaced by methionine, an amino acid with similar properties. This amino acid position is conserved. In addition, this alteration is predicted to be deleterious by in silico analysis. Based on the available evidence, the clinical significance of this variant remains unclear.